The following is an entry in ClinVar:

NM_000136.3(FANCC):c.-29A>C

Gene: FANCC (FA complementation group C; minus strand). Cytogenetic location: 9q22.32.
Variant type: single nucleotide variant.
Coding change: c.-29A>C on transcript NM_000136.3 (MANE Select); 29 bases upstream of the start codon, A replaced by C.
Molecular consequence: 5 prime UTR variant.
Genome position (GRCh38, 1-based): chr9:95,249,320, T>G on the plus strand (A>C on the coding strand, the complement: FANCC is on the minus strand). VCF-style: chr9-95249320-T-G. GRCh37 (hg19) VCF-style: chr9-98011602-T-G.
Other names: c.-29A>C (NM_001243743.2, NM_001243744.2).
Identifiers: ClinVar variation 137287 (VCV000137287.19), dbSNP rs4647414, ClinGen allele CA290836.

ClinVar aggregate classification (germline): Benign. Review status: criteria provided, multiple submitters, no conflicts (2 of 4 stars). 6 submissions from 6 submitters: Benign (5). 1 of the submissions does not count toward it. Last evaluated 2026-02-04.

Conditions:
Fanconi anemia (FA). Also called: Fanconi's anemia. Identifiers: Orphanet 84, MedGen C0015625, MeSH D005199, MONDO:0019391.
Fanconi anemia complementation group C (FANCC). Also called: Fanconi anemia, group C; FANCC-Related Fanconi Anemia; FANCONI PANCYTOPENIA, TYPE 3; FACC. Identifiers: Orphanet 84, MedGen C3468041, MONDO:0009213, OMIM 227645.

Allele frequency attached by ClinVar (database versions not stated): ESP Exome Variant Server 0.00038; gnomAD 0.00155 and 0.00332; TOPMed 0.00263; ExAC 0.00896; gnomAD exomes 0.00904; 1000 Genomes Project 30x 0.01624; 1000 Genomes Project 0.01697.
gnomAD v4.1: 5,829 of 1,611,014 alleles (0.36%); highest among the groups gnomAD compares: East Asian, 4%; 127 homozygotes.

Submissions (6):

Labcorp Genetics (formerly Invitae), Labcorp
Classification: Benign for Fanconi anemia. Last evaluated: 2026-02-04. Review status: criteria provided, single submitter. Criteria: Invitae Variant Classification Sherloc (09022015). Collection method: clinical testing. Allele origin: germline.

KCCC/NGS Laboratory, Kuwait Cancer Control Center
Classification: Benign for Fanconi anemia complementation group C. Last evaluated: 2023-07-07. Review status: criteria provided, single submitter. Criteria: ACMG Guidelines, 2015. Collection method: clinical testing. Allele origin: germline. Affected: yes.

Illumina Laboratory Services, Illumina
Classification: Benign for Fanconi anemia complementation group C. Last evaluated: 2018-01-13. Review status: criteria provided, single submitter. Criteria: ICSL Variant Classification Criteria 13 December 2019. Collection method: clinical testing. Allele origin: germline.
Comment: This variant was observed in the ICSL laboratory as part of a predisposition screen in an ostensibly healthy population. It had not been previously curated by ICSL or reported in the Human Gene Mutation Database (HGMD: prior to June 1st, 2018), and was therefore a candidate for classification through an automated scoring system. Utilizing variant allele frequency, disease prevalence and penetrance estimates, and inheritance mode, an automated score was calculated to assess if this variant is too frequent to cause the disease. Based on the score and internal cut-off values, a variant classified as benign is not then subjected to further curation. The score for this variant resulted in a classification of benign for this disease.

GeneDx
Classification: Benign. Last evaluated: 2013-12-27. Review status: criteria provided, single submitter. Criteria: GeneDx Variant Classification (06012015). Collection method: clinical testing. Allele origin: germline. Affected: yes.
Comment: This variant is considered likely benign or benign based on one or more of the following criteria: it is a conservative change, it occurs at a poorly conserved position in the protein, it is predicted to be benign by multiple in silico algorithms, and/or has population frequency not consistent with disease.

Breakthrough Genomics
Classification: Benign. Review status: criteria provided, single submitter. Criteria: ACMG Guidelines, 2015. Collection method: not provided. Allele origin: germline. Inheritance: Autosomal recessive inheritance. Affected: yes.

Natera, Inc.
Classification: Benign for Fanconi anemia, group C. Last evaluated: 2020-09-16. Review status: no assertion criteria provided. Collection method: clinical testing. Allele origin: germline. Not counted in ClinVar's aggregate classification.